The following is an entry in ClinVar:

ClinVar aggregate classification (germline): Likely benign (1 of 4 stars; one submission).

Allele frequency attached by ClinVar (database versions not stated): TOPMed below 0.00001.

Submission:

CeGaT Center for Human Genetics Tuebingen
Classification: Likely benign. Last evaluated: 2022-12-01. Review status: criteria provided, single submitter. Criteria: CeGaT Center For Human Genetics Tuebingen Variant Classification Criteria Version 2. Collection method: clinical testing. Allele origin: germline. Affected: yes. Observed: 1 variant allele.
Comment: SZT2: BP4, BP7

NM_001365999.1(SZT2):c.498+1744C>T

Gene: SZT2 (SZT2 subunit of KICSTOR complex; plus strand). Cytogenetic location: 1p34.2.
Variant type: single nucleotide variant.
Coding change: c.498+1744C>T on transcript NM_001365999.1 (MANE Select); 1744 bases into the intron after coding-DNA position 498, C replaced by T.
Molecular consequence: intron variant.
Genome position (GRCh38, 1-based): chr1:43,406,294, C>T. VCF-style: chr1-43406294-C-T. GRCh37 (hg19) VCF-style: chr1-43871965-C-T.
Other names: c.498+1744C>T (NM_015284.4).
Identifiers: ClinVar variation 2638747 (VCV002638747.24), dbSNP rs1249649428, ClinGen allele CA522502917.